The following is an entry in ClinVar:

ClinVar aggregate classification (germline): Likely pathogenic. Review status: criteria provided, multiple submitters, no conflicts (2 of 4 stars). 2 submissions from 2 submitters: Likely pathogenic (2). Last evaluated 2026-08-04.

Conditions:
AIPL1-related disorder. Also called: AIPL1-related condition; AIPL1-related disorders. Identifiers: MedGen CN239169.
Leber congenital amaurosis 4 (LCA4). Identifiers: MedGen C1858386, MONDO:0011458, OMIM 604393.

Submissions (2):

PreventionGenetics, part of Exact Sciences
Classification: Likely pathogenic for AIPL1-related condition. Last evaluated: 2026-08-04. Review status: criteria provided, single submitter. Criteria: ACMG Guidelines, 2015. Collection method: clinical testing. Allele origin: germline.
Comment: The AIPL1 c.97-1G>A variant is predicted to disrupt the AG splice acceptor site and interfere with normal splicing. To our knowledge, this variant has not been reported in the literature. This variant is absent in a large population database (gnomAD), indicating this variant is rare. Variants that disrupt the consensus splice acceptor site in AIPL1 are an established mechanism of disease. This variant is interpreted as likely pathogenic.

Labcorp Genetics (formerly Invitae), Labcorp
Classification: Likely pathogenic for Leber congenital amaurosis 4. Last evaluated: 2024-01-29. Review status: criteria provided, single submitter. Criteria: Invitae Variant Classification Sherloc (09022015). Collection method: clinical testing. Allele origin: germline.
Comment: This sequence change affects an acceptor splice site in intron 1 of the AIPL1 gene. It is expected to disrupt RNA splicing. Variants that disrupt the donor or acceptor splice site typically lead to a loss of protein function (PMID: 16199547), and loss-of-function variants in AIPL1 are known to be pathogenic (PMID: 10615133, 15249368, 15347646). This variant is not present in population databases (gnomAD no frequency). This variant has not been reported in the literature in individuals affected with AIPL1-related conditions. ClinVar contains an entry for this variant (Variation ID: 2031938). Algorithms developed to predict the effect of sequence changes on RNA splicing suggest that this variant may disrupt the consensus splice site. In summary, the currently available evidence indicates that the variant is pathogenic, but additional data are needed to prove that conclusively. Therefore, this variant has been classified as Likely Pathogenic.

Literature cited by the submitters: PubMed 16199547 (cited by Labcorp Genetics (formerly Invitae), Labcorp); PubMed 10615133 (cited by Labcorp Genetics (formerly Invitae), Labcorp); PubMed 15249368 (cited by Labcorp Genetics (formerly Invitae), Labcorp); PubMed 15347646 (cited by Labcorp Genetics (formerly Invitae), Labcorp).

NM_014336.5(AIPL1):c.97-1G>A

Gene: AIPL1 (AIP like 1 HSP90 co-chaperone; minus strand). Cytogenetic location: 17p13.2.
Variant type: single nucleotide variant.
Coding change: c.97-1G>A on transcript NM_014336.5 (MANE Select); the canonical splice acceptor site of the intron before coding-DNA position 97, G replaced by A.
Molecular consequence: splice acceptor variant. On other transcripts: intron variant (3).
Genome position (GRCh38, 1-based): chr17:6,434,099, C>T on the plus strand (G>A on the coding strand, the complement: AIPL1 is on the minus strand). VCF-style: chr17-6434099-C-T. GRCh37 (hg19) VCF-style: chr17-6337419-C-T.
Other names: c.96+910G>A (NM_001033055.3); c.97-67G>A (NM_001285400.3); c.97-37G>A (NM_001285399.3); c.97-1G>A (NM_001033054.3, NM_001285401.3, NM_001285403.4 and 1 more transcripts); c.-21-1G>A (NM_001285402.2).
Identifiers: ClinVar variation 2031938 (VCV002031938.5), dbSNP rs939660584, ClinGen allele CA287328963.
Genomic context (GRCh38, chr17:6,434,099, plus strand): 5'-ACTGTCGTCAATGACTGTCCGCTCCTCATCACATTTCATGGTGCGGAAATGAAAGATCAC[C>T]TAGTCACCGAGACGGTGCACTCTGCTCTAGACACACTGTTCAAGGCCCGGCAGAAGCCAC-3'